The following is an entry in ClinVar:

ClinVar aggregate classification (germline): Likely pathogenic (1 of 4 stars; one submission).

Submission:

Labcorp Genetics (formerly Invitae), Labcorp
Classification: Likely pathogenic. Last evaluated: 2021-08-04. Review status: criteria provided, single submitter. Criteria: Invitae Variant Classification Sherloc (09022015). Collection method: clinical testing. Allele origin: germline.
Comment: In summary, this variant is a novel missense change affecting a residue that is known to be critical for normal protein structure, stability and function. This type of missense change is also highly enriched in affected individuals and expected to be pathogenic. However, without additional functional and/or genetic data, this variant has been classified as Likely Pathogenic. Glycine residues within the Gly-Xaa-Yaa repeats of the triple helix domain are required for the structure and stability of fibrillar collagens (PMID: 7695699, 8218237, 19344236). In COL4A5, missense variants at these glycine residues are significantly enriched in individuals with disease (PMID: 23720012, 27627812) compared to the general population (ExAC). This variant has not been reported in the literature in individuals with COL4A5-related conditions. This variant is not present in population databases (ExAC no frequency). This sequence change replaces glycine with aspartic acid at codon 749 of the COL4A5 protein (p.Gly749Asp). The glycine residue is highly conserved and there is a moderate physicochemical difference between glycine and aspartic acid.

Literature cited by the submitters: PubMed 7695699; PubMed 8218237; PubMed 19344236; PubMed 23720012; PubMed 27627812.

NM_033380.3(COL4A5):c.2246G>A (p.Gly749Asp)

Gene: COL4A5 (collagen type IV alpha 5 chain; plus strand). Cytogenetic location: Xq22.3.
Variant type: single nucleotide variant.
Coding change: c.2246G>A on transcript NM_033380.3 (MANE Select); coding-DNA position 2246, G replaced by A.
Protein change: p.Gly749Asp; replaces glycine 749 with aspartic acid.
Molecular consequence: missense variant.
Genome position (GRCh38, 1-based): chrX:108,606,743, G>A. VCF-style: chrX-108606743-G-A. GRCh37 (hg19) VCF-style: chrX-107849973-G-A.
Other names: c.2246G>A, p.Gly749Asp (NM_000495.5); short protein forms G749D.
Identifiers: ClinVar variation 940057 (VCV000940057.9), dbSNP rs2066734214, ClinGen allele CA413848568.